The following is an entry in ClinVar:

NM_001267550.2(TTN):c.18744C>T (p.Thr6248=)

Genes: TTN (titin; minus strand), LOC126806430 (BRD4-independent group 4 enhancer GRCh37_chr2:179593794-179594993; plus strand). Cytogenetic location: 2q31.2.
Variant type: single nucleotide variant.
Coding change: c.18744C>T on transcript NM_001267550.2 (MANE Select); coding-DNA position 18744, C replaced by T.
Protein change: p.Thr6248=; no amino-acid change (threonine 6248 retained).
Molecular consequence: synonymous variant. On other transcripts: intron variant (3).
Genome position (GRCh38, 1-based): chr2:178,729,412, G>A on the plus strand (C>T on the coding strand, the complement: TTN is on the minus strand). VCF-style: chr2-178729412-G-A. GRCh37 (hg19) VCF-style: chr2-179594139-G-A.
Other names: c.17793C>T, p.Thr5931= (NM_001256850.1); c.15012C>T, p.Thr5004= (NM_133378.4); c.13282+8670C>T (NM_003319.4); c.13858+8670C>T (NM_133437.4); c.13657+8670C>T (NM_133432.3).
Identifiers: ClinVar variation 669071 (VCV000669071.9), dbSNP rs775965000, ClinGen allele CA2001548.

ClinVar aggregate classification (germline): Likely benign. Review status: criteria provided, multiple submitters, no conflicts (2 of 4 stars). 2 submissions from 2 submitters: Likely benign (2). Last evaluated 2025-12-13.

Conditions:
Dilated cardiomyopathy 1G (CMD1G). Identifiers: Orphanet 154, MedGen C1858763, MONDO:0011400, OMIM 604145.
Autosomal recessive limb-girdle muscular dystrophy type 2J (LGMDR10). Also called: MUSCULAR DYSTROPHY, LIMB-GIRDLE, AUTOSOMAL RECESSIVE 10; Limb-girdle muscular dystrophy, type 2J. Identifiers: Orphanet 140922, MedGen C1837342, MONDO:0012127, OMIM 608807.

Allele frequency attached by ClinVar (database versions not stated): gnomAD 0.00001; TOPMed 0.00001; ExAC 0.00002; gnomAD exomes 0.00002.
gnomAD v4.1: 32 of 1,613,442 alleles (0.002%); highest among the groups gnomAD compares: South Asian, 0.023%; no homozygotes.

Submissions (2):

Labcorp Genetics (formerly Invitae), Labcorp
Classification: Likely benign for Dilated cardiomyopathy 1G; Autosomal recessive limb-girdle muscular dystrophy type 2J. Last evaluated: 2025-12-13. Review status: criteria provided, single submitter. Criteria: Invitae Variant Classification Sherloc (09022015). Collection method: clinical testing. Allele origin: germline.

GeneDx
Classification: Likely benign. Last evaluated: 2018-05-24. Review status: criteria provided, single submitter. Criteria: GeneDx Variant Classification (06012015). Collection method: clinical testing. Allele origin: germline. Affected: yes.
Comment: This variant is considered likely benign or benign based on one or more of the following criteria: it is a conservative change, it occurs at a poorly conserved position in the protein, it is predicted to be benign by multiple in silico algorithms, and/or has population frequency not consistent with disease.